The following is an entry in ClinVar:

NM_004369.4(COL6A3):c.4037_4038delinsC (p.Gly1346fs)

Gene: COL6A3 (collagen type VI alpha 3 chain; minus strand). Cytogenetic location: 2q37.3.
Variant type: Indel.
Coding change: c.4037_4038delinsC on transcript NM_004369.4 (MANE Select); coding-DNA positions 4037 to 4038, GA replaced by C.
Protein change: p.Gly1346fs; shifts the reading frame from glycine 1346.
Molecular consequence: frameshift variant.
Genome position (GRCh38, 1-based): chr2:237,371,979-237,371,980, TC replaced by G on the plus strand (GA replaced by C on the coding strand, the reverse complement: COL6A3 is on the minus strand). VCF-style: chr2-237371979-TC-G. GRCh37 (hg19) VCF-style: chr2-238280622-TC-G.
Other names: c.2816_2817delinsC, p.Gly939fs (NM_057164.5); c.3419_3420delinsC, p.Gly1140fs (NM_057165.5, NM_057167.4); c.2216_2217delinsC, p.Gly739fs (NM_057166.5); short protein forms G1140fs, G1346fs, G739fs, G939fs.
Identifiers: ClinVar variation 4884849 (VCV004884849.1).
Genomic context (GRCh38, chr2:237,371,979, plus strand): 5'-AGGGGCCACGCCAAACTGCTTGAGCTCCACCGCCGGGTCGTCCACCTCATCGTCAGACTT[TC>G]CAGACGAGATGAGGACCAGGAACTGCGGGACGCCCTCTTCAATGCGGCTCCCCAGGGGCC-3'

ClinVar aggregate classification (germline): Likely pathogenic (0 of 4 stars; one submission).

Conditions:
Ullrich congenital muscular dystrophy 1C (UCMD1C). Identifiers: MedGen C5935583, MONDO:0958236, OMIM 620728.

Submission:

Hong-Tao Li Lab, Institute of Brain Science and Brain-inspired Research, Shandong First Medical University & Shandong Academy of Medical Sciences China
Classification: Likely pathogenic for Ullrich congenital muscular dystrophy 1C. Review status: no assertion criteria provided. Collection method: research. Allele origin: germline. Affected: yes. Observed: 1 variant allele, 1 homozygote.
Comment: Observed in affected individuals from a Pakistani neurodevelopmental-disorder research cohort of 263 individuals. Classification assigned using the ACMG/AMP framework.